The following is an entry in ClinVar:

ClinVar aggregate classification (germline): Uncertain significance (1 of 4 stars; one submission).

Conditions:
Hereditary cancer-predisposing syndrome. Also called: Tumor predisposition; Neoplastic Syndromes, Hereditary; Hereditary Cancer Syndrome; Hereditary neoplastic syndrome. Identifiers: Orphanet 140162, MedGen C0027672, MeSH D009386, MONDO:0015356.

Submission:

Ambry Genetics
Classification: Uncertain significance for Hereditary cancer-predisposing syndrome. Last evaluated: 2024-08-29. Review status: criteria provided, single submitter. Criteria: Ambry Variant Classification Scheme 2023. Collection method: clinical testing. Allele origin: germline.
Comment: The p.E1071D variant (also known as c.3213A>T), located in coding exon 9 of the BRCA1 gene, results from an A to T substitution at nucleotide position 3213. The glutamic acid at codon 1071 is replaced by aspartic acid, an amino acid with highly similar properties. This amino acid position is not well conserved in available vertebrate species. In addition, the in silico prediction for this alteration is inconclusive. Based on the available evidence, the clinical significance of this variant remains unclear.

NM_007294.4(BRCA1):c.3213A>T (p.Glu1071Asp)

Genes: BRCA1 (BRCA1 DNA repair associated; minus strand), LOC126862571 (BRD4-independent group 4 enhancer GRCh37_chr17:41243136-41244335; plus strand). Cytogenetic location: 17q21.31.
Variant type: single nucleotide variant.
Coding change: c.3213A>T on transcript NM_007294.4 (MANE Select); coding-DNA position 3213, A replaced by T.
Protein change: p.Glu1071Asp; replaces glutamic acid 1071 with aspartic acid.
Molecular consequence: missense variant. On other transcripts: intron variant (137).
Genome position (GRCh38, 1-based): chr17:43,092,318, T>A on the plus strand (A>T on the coding strand, the complement: BRCA1 is on the minus strand). VCF-style: chr17-43092318-T-A. GRCh37 (hg19) VCF-style: chr17-41244335-T-A.
Other names: c.3135A>T, p.Glu1045Asp (NM_001407658.1, NM_001407663.1, NM_001407653.1 and 4 more transcripts); c.3132A>T, p.Glu1044Asp (NM_001407659.1, NM_001407661.1, NM_001407660.1 and 1 more transcripts); c.3090A>T, p.Glu1030Asp (NM_001407665.1, NM_001407666.1, NM_001407667.1 and 19 more transcripts); c.3087A>T, p.Glu1029Asp (NM_001407941.1, NM_001407649.1, NM_001407670.1 and 11 more transcripts); c.3072A>T, p.Glu1024Asp (NM_001407942.1, NM_001407944.1, NM_001407945.1 and 29 more transcripts); c.3069A>T, p.Glu1023Asp (NM_001407943.1, NM_001407964.1, NM_001407740.1 and 20 more transcripts); c.2880A>T, p.Glu960Asp (NM_001407946.1, NM_001407947.1, NM_001407948.1 and 6 more transcripts); c.2877A>T, p.Glu959Asp (NM_001407954.1, NM_001407955.1, NM_001407956.1 and 1 more transcripts); and 41 more; short protein forms E1023D, E1024D, E1030D, E1003D, E944D, E960D, E1000D, E1001D.
Identifiers: ClinVar variation 3481843 (VCV003481843.1).
Genomic context (GRCh38, chr17:43,092,318, plus strand): 5'-AGGTTGCAAAACCCCTAATCTAAGCATAGCATTCAATTTTGGCCCTCTGTTTCTACCTAG[T>A]TCTGCTTGAATGTTTTCATCACTGGAACCTATTTCATTAATACTGGAGCCCACTTCATTA-3'
Protein context (NP_009225.1, residues 1061-1081): IGSSDENIQA[Glu1071Asp]LGRNRGPKLN